The following is an entry in ClinVar:

ClinVar aggregate classification (germline): Uncertain significance (1 of 4 stars; one submission).

Conditions:
Cholestanol storage disease (CTX). Also called: Cerebrotendinous Xanthomatosis; CEREBRAL CHOLESTERINOSIS; CTX: Cerebrotendinous xanthomatosis. Identifiers: Orphanet 909, MedGen C0238052, MONDO:0008948, OMIM 213700.

Submission:

Labcorp Genetics (formerly Invitae), Labcorp
Classification: Uncertain significance for Cholestanol storage disease. Last evaluated: 2021-09-20. Review status: criteria provided, single submitter. Criteria: Invitae Variant Classification Sherloc (09022015). Collection method: clinical testing. Allele origin: germline.
Comment: This sequence change replaces leucine with histidine at codon 489 of the CYP27A1 protein (p.Leu489His). The leucine residue is moderately conserved and there is a moderate physicochemical difference between leucine and histidine. This variant is not present in population databases (ExAC no frequency). This variant has not been reported in the literature in individuals affected with CYP27A1-related conditions. Advanced modeling of protein sequence and biophysical properties (such as structural, functional, and spatial information, amino acid conservation, physicochemical variation, residue mobility, and thermodynamic stability) performed at Invitae indicates that this missense variant is expected to disrupt CYP27A1 protein function. In summary, the available evidence is currently insufficient to determine the role of this variant in disease. Therefore, it has been classified as a Variant of Uncertain Significance.

NM_000784.4(CYP27A1):c.1466T>A (p.Leu489His)

Gene: CYP27A1 (cytochrome P450 family 27 subfamily A member 1; plus strand). Cytogenetic location: 2q35.
Variant type: single nucleotide variant.
Coding change: c.1466T>A on transcript NM_000784.4 (MANE Select); coding-DNA position 1466, T replaced by A.
Protein change: p.Leu489His; replaces leucine 489 with histidine.
Molecular consequence: missense variant.
Genome position (GRCh38, 1-based): chr2:218,814,747, T>A. VCF-style: chr2-218814747-T-A. GRCh37 (hg19) VCF-style: chr2-219679470-T-A.
Other names: short protein forms L489H.
Identifiers: ClinVar variation 1475014 (VCV001475014.6), dbSNP rs2105981325, ClinGen allele CA350595591.
Genomic context (GRCh38, chr2:218,814,747, plus strand): 5'-TTGGCTATGGGGTCCGGGCCTGCCTGGGCCGCAGGATTGCAGAGCTGGAGATGCAGCTAC[T>A]CCTCGCAAGGGTGAGCTGGGAGAGGCTAGTAGGGTGTGTGGGCAGGGAGGGGTGGAGGAG-3'
Protein context (NP_000775.1, residues 479-499): RRIAELEMQL[Leu489His]LARLIQKYKV